The following is an entry in ClinVar:

NM_004523.4(KIF11):c.1578C>A (p.His526Gln)

Gene: KIF11 (kinesin family member 11; plus strand). Cytogenetic location: 10q23.33.
Variant type: single nucleotide variant.
Coding change: c.1578C>A on transcript NM_004523.4 (MANE Select); coding-DNA position 1578, C replaced by A.
Protein change: p.His526Gln; replaces histidine 526 with glutamine.
Molecular consequence: missense variant.
Genome position (GRCh38, 1-based): chr10:92,632,569, C>A. VCF-style: chr10-92632569-C-A. GRCh37 (hg19) VCF-style: chr10-94392326-C-A.
Other names: short protein forms H526Q.
Identifiers: ClinVar variation 785883 (VCV000785883.39), dbSNP rs112145870, ClinGen allele CA5604223.
Genomic context (GRCh38, chr10:92,632,569, plus strand): 5'-TACAAAAGATGTATCTGGTCTCCATTCCAAACTGGATCGTAAGAAGGCAGTTGACCAACA[C>A]AATGCAGAAGCTCAGGATATTTTTGGCAAAAACCTGAATAGTCTGTTTAATAATATGGAA-3'
Protein context (NP_004514.2, residues 516-536): KLDRKKAVDQ[His526Gln]NAEAQDIFGK

ClinVar aggregate classification (germline): Benign/Likely benign. Review status: criteria provided, multiple submitters, no conflicts (2 of 4 stars). 5 submissions from 5 submitters: Benign (2); Likely benign (3). Last evaluated 2026-01-12.

Conditions:
Microcephaly with or without chorioretinopathy, lymphedema, or impaired intellectual development. Also called: Microcephaly lymphedema chorioretinal dysplasia; Microcephaly with or without chorioretinopathy, lymphedema, or intellectual disability; Microcephaly with or without chorioretinopathy, lymphedema, or mental retardation; MICROCEPHALY AND CHORIORETINOPATHY WITH OR WITHOUT MENTAL RETARDATION, AUTOSOMAL DOMINANT; MICROCEPHALY, LYMPHEDEMA, CHORIORETINAL DYSPLASIA SYNDROME. Identifiers: Orphanet 2526, MedGen C1835265, MONDO:0007918, OMIM 152950.

Allele frequency attached by ClinVar (database versions not stated): ESP Exome Variant Server 0.00300; gnomAD 0.00253 and 0.00237; TOPMed 0.00286; 1000 Genomes Project 0.00379; 1000 Genomes Project 30x 0.00406.
gnomAD v4.1: 707 of 1,613,306 alleles (0.044%); highest among the groups gnomAD compares: African/African-American, 0.78%; 4 homozygotes.

Submissions (5):

Labcorp Genetics (formerly Invitae), Labcorp
Classification: Benign. Last evaluated: 2026-01-12. Review status: criteria provided, single submitter. Criteria: Invitae Variant Classification Sherloc (09022015). Collection method: clinical testing. Allele origin: germline.

CeGaT Center for Human Genetics Tuebingen
Classification: Likely benign. Last evaluated: 2025-11-01. Review status: criteria provided, single submitter. Criteria: CeGaT Center For Human Genetics Tuebingen Variant Classification Criteria Version 2. Collection method: clinical testing. Allele origin: germline. Affected: yes. Observed: 3 variant alleles.
Comment: KIF11: BP4, BS2

Blueprint Genetics
Classification: Likely benign. Last evaluated: 2024-11-22. Review status: criteria provided, single submitter. Criteria: ACMG Guidelines, 2015. Collection method: clinical testing. Allele origin: germline.

Fulgent Genetics
Classification: Likely benign for Microcephaly with or without chorioretinopathy, lymphedema, or impaired intellectual development. Last evaluated: 2022-02-04. Review status: criteria provided, single submitter. Criteria: ACMG Guidelines, 2015. Collection method: clinical testing. Allele origin: unknown.

GeneDx
Classification: Benign. Last evaluated: 2021-06-11. Review status: criteria provided, single submitter. Criteria: GeneDx Variant Classification Process June 2021. Collection method: clinical testing. Allele origin: germline. Affected: yes.